The following is an entry in ClinVar:

ClinVar aggregate classification (germline): Uncertain significance (1 of 4 stars; one submission).

gnomAD v4.1: 5 of 1,208,110 alleles (0.00041%); highest among the groups gnomAD compares: Non-Finnish European, 0.00045%; no homozygotes.

Submission:

Labcorp Genetics (formerly Invitae), Labcorp
Classification: Uncertain significance. Last evaluated: 2026-01-19. Review status: criteria provided, single submitter. Criteria: Invitae Variant Classification Sherloc (09022015). Collection method: clinical testing. Allele origin: germline.
Comment: This sequence change replaces arginine, which is basic and polar, with glutamine, which is neutral and polar, at codon 853 of the RBM10 protein (p.Arg853Gln). This variant is not present in population databases (gnomAD no frequency). This variant has not been reported in the literature in individuals affected with RBM10-related conditions. ClinVar contains an entry for this variant (Variation ID: 1977499). Invitae Evidence Modeling of protein sequence and biophysical properties (such as structural, functional, and spatial information, amino acid conservation, physicochemical variation, residue mobility, and thermodynamic stability) indicates that this missense variant is not expected to disrupt RBM10 protein function with a negative predictive value of 80%. In summary, the available evidence is currently insufficient to determine the role of this variant in disease. Therefore, it has been classified as a Variant of Uncertain Significance.

NM_005676.5(RBM10):c.2558G>A (p.Arg853Gln)

Gene: RBM10 (RNA binding motif protein 10; plus strand). Cytogenetic location: Xp11.3.
Variant type: single nucleotide variant.
Coding change: c.2558G>A on transcript NM_005676.5 (MANE Select); coding-DNA position 2558, G replaced by A.
Protein change: p.Arg853Gln; replaces arginine 853 with glutamine.
Molecular consequence: missense variant.
Genome position (GRCh38, 1-based): chrX:47,186,278, G>A. VCF-style: chrX-47186278-G-A. GRCh37 (hg19) VCF-style: chrX-47045677-G-A.
Other names: c.2327G>A, p.Arg776Gln (NM_001204466.2); c.2555G>A, p.Arg852Gln (NM_001204467.2); c.2753G>A, p.Arg918Gln (NM_001204468.2); c.2324G>A, p.Arg775Gln (NM_152856.3); short protein forms R775Q, R852Q, R918Q, R776Q, R853Q.
Identifiers: ClinVar variation 1977499 (VCV001977499.5), dbSNP rs2147225570, ClinGen allele CA412809417.